The following is an entry in ClinVar:

NM_194248.3(OTOF):c.2171del (p.Arg724fs)

Gene: OTOF (otoferlin; minus strand). Cytogenetic location: 2p23.3.
Variant type: Deletion.
Coding change: c.2171del on transcript NM_194248.3 (MANE Select); coding-DNA position 2171, one base deleted (G; older notation c.2171delG).
Protein change: p.Arg724fs; shifts the reading frame from arginine 724.
Molecular consequence: frameshift variant.
Genome position (GRCh38, 1-based): chr2:26,479,307, C deleted on the plus strand (G on the coding strand, the reverse complement: OTOF is on the minus strand). VCF-style (leftmost placement, unchanged base first): chr2-26479306-GC-G. GRCh37 (hg19) VCF-style: chr2-26702174-GC-G.
Other names: c.2171del, p.Arg724fs (NM_001287489.2); short protein forms R724fs.
Identifiers: ClinVar variation 2834440 (VCV002834440.3), dbSNP rs2465606097, ClinGen allele CA2739274224.

ClinVar aggregate classification (germline): Pathogenic (1 of 4 stars; one submission).

Submission:

Labcorp Genetics (formerly Invitae), Labcorp
Classification: Pathogenic. Last evaluated: 2023-02-15. Review status: criteria provided, single submitter. Criteria: Invitae Variant Classification Sherloc (09022015). Collection method: clinical testing. Allele origin: germline.
Comment: This variant is not present in population databases (gnomAD no frequency). For these reasons, this variant has been classified as Pathogenic. This variant has not been reported in the literature in individuals affected with OTOF-related conditions. This sequence change creates a premature translational stop signal (p.Arg724Profs*19) in the OTOF gene. It is expected to result in an absent or disrupted protein product. Loss-of-function variants in OTOF are known to be pathogenic (PMID: 18381613, 19250381, 22575033).

Literature cited by the submitters: PubMed 18381613; PubMed 19250381; PubMed 22575033.